The following is an entry in ClinVar:

ClinVar aggregate classification (germline): Uncertain significance (1 of 4 stars; one submission).

Submission:

GeneDx
Classification: Uncertain significance. Last evaluated: 2026-02-15. Review status: criteria provided, single submitter. Criteria: GeneDx Variant Classification Process June 2021. Collection method: clinical testing. Allele origin: germline.
Comment: Not observed at significant frequency in large population cohorts (gnomAD); In silico analysis supports that this missense variant has a deleterious effect on protein structure/function; Has not been previously published as pathogenic or benign to our knowledge

NM_006565.4(CTCF):c.1511G>A (p.Cys504Tyr)

Gene: CTCF (CCCTC-binding factor; plus strand). Cytogenetic location: 16q22.1.
Variant type: single nucleotide variant.
Coding change: c.1511G>A on transcript NM_006565.4 (MANE Select); coding-DNA position 1511, G replaced by A.
Protein change: p.Cys504Tyr; replaces cysteine 504 with tyrosine.
Molecular consequence: missense variant.
Genome position (GRCh38, 1-based): chr16:67,626,708, G>A. VCF-style: chr16-67626708-G-A. GRCh37 (hg19) VCF-style: chr16-67660611-G-A.
Other names: c.527G>A, p.Cys176Tyr (NM_001191022.2); c.1511G>A, p.Cys504Tyr (NM_001363916.2, NM_001438968.1, NM_001438969.1); short protein forms C176Y, C504Y.
Identifiers: ClinVar variation 5009910 (VCV005009910.1).
Genomic context (GRCh38, chr16:67,626,708, plus strand): 5'-AGCATCAGAAGTCACACAAGAATGAGAAGCGCTTTAAGTGTGACCAGTGTGATTACGCTT[G>A]TAGACAGGTAGGAACCTTCATTGAAAGTTGTTGGTGCTTTCTCGGTGTCTGGTGTTATCA-3'
Protein context (NP_006556.1, residues 494-514): RFKCDQCDYA[Cys504Tyr]RQERHMIMHK